The following is an entry in ClinVar:

ClinVar aggregate classification (germline): Conflicting classifications of pathogenicity. Review status: criteria provided, conflicting classifications (1 of 4 stars). 2 submissions from 2 submitters: Uncertain significance (1); Likely benign (1). Last evaluated 2025-06-12.

Conditions:
Inborn genetic diseases. Identifiers: MedGen C0950123, MeSH D030342.

Allele frequency attached by ClinVar (database versions not stated): ExAC 0.00002; TOPMed 0.00002; gnomAD exomes 0.00002.

Submissions (2):

Ambry Genetics
Classification: Likely benign for Inborn genetic diseases. Last evaluated: 2025-06-12. Review status: criteria provided, single submitter. Criteria: Ambry Variant Classification Scheme 2023. Collection method: clinical testing. Allele origin: germline.

Labcorp Genetics (formerly Invitae), Labcorp
Classification: Uncertain significance. Last evaluated: 2022-08-31. Review status: criteria provided, single submitter. Criteria: Invitae Variant Classification Sherloc (09022015). Collection method: clinical testing. Allele origin: germline.
Comment: This sequence change replaces asparagine with serine at codon 129 of the UNC80 protein (p.Asn129Ser). The asparagine residue is weakly conserved and there is a small physicochemical difference between asparagine and serine. This variant is present in population databases (rs760726769, gnomAD 0.004%). This variant has not been reported in the literature in individuals affected with UNC80-related conditions. ClinVar contains an entry for this variant (Variation ID: 1433802). Algorithms developed to predict the effect of missense changes on protein structure and function output the following: SIFT: "Not Available"; PolyPhen-2: "Benign"; Align-GVGD: "Not Available". The serine amino acid residue is found in multiple mammalian species, which suggests that this missense change does not adversely affect protein function. Algorithms developed to predict the effect of sequence changes on RNA splicing suggest that this variant may create or strengthen a splice site. In summary, the available evidence is currently insufficient to determine the role of this variant in disease. Therefore, it has been classified as a Variant of Uncertain Significance.

NM_001371986.1(UNC80):c.386A>G (p.Asn129Ser)

Gene: UNC80 (unc-80 subunit of NALCN channel complex; plus strand). Cytogenetic location: 2q34.
Variant type: single nucleotide variant.
Coding change: c.386A>G on transcript NM_001371986.1 (MANE Select); coding-DNA position 386, A replaced by G.
Protein change: p.Asn129Ser; replaces asparagine 129 with serine.
Molecular consequence: missense variant.
Genome position (GRCh38, 1-based): chr2:209,777,345, A>G. VCF-style: chr2-209777345-A-G. GRCh37 (hg19) VCF-style: chr2-210642069-A-G.
Other names: c.386A>G, p.Asn129Ser (NM_032504.2, NM_182587.4); c.386A>G (NM_032504.1); short protein forms N129S.
Identifiers: ClinVar variation 1433802 (VCV001433802.4), dbSNP rs760726769, ClinGen allele CA2082733.
Genomic context (GRCh38, chr2:209,777,345, plus strand): 5'-AGACAAAGCTCCTTCACACTCTACACTGGATGCTTCTGGAGGCCCCCCAGGACTGCAACA[A>G]TGAGCGGTTTGGGGGTACAGACCGAGGCTCCAGCTGGGGTGGAAGCAGCAGTGCTTTCAT-3'
Protein context (NP_001358915.1, residues 119-139): MLLEAPQDCN[Asn129Ser]ERFGGTDRGS